The following is an entry in ClinVar:

ClinVar aggregate classification (germline): Benign/Likely benign. Review status: criteria provided, multiple submitters, no conflicts (2 of 4 stars). 4 submissions from 4 submitters: Benign (1); Likely benign (3). Last evaluated 2026-02-02.

Conditions:
Tuberous sclerosis 2 (TSC2). Identifiers: Orphanet 805, MedGen C1860707, MONDO:0013199, OMIM 613254.
Tuberous sclerosis syndrome (TSC). Also called: Tuberous Sclerosis Complex; Tuberous sclerosis. Identifiers: Orphanet 805, MedGen C0041341, MONDO:0001734.

Allele frequency attached by ClinVar (database versions not stated): gnomAD 0.00001; gnomAD exomes 0.00003; TOPMed 0.00003; ExAC 0.00005.
gnomAD v4.1: 35 of 1,612,576 alleles (0.0022%); highest among the groups gnomAD compares: Middle Eastern, 0.016%; no homozygotes.

Submissions (4):

Labcorp Genetics (formerly Invitae), Labcorp
Classification: Likely benign for Tuberous sclerosis 2. Last evaluated: 2026-02-02. Review status: criteria provided, single submitter. Criteria: Invitae Variant Classification Sherloc (09022015). Collection method: clinical testing. Allele origin: germline.

Myriad Genetics, Inc.
Classification: Benign for Tuberous sclerosis 2. Last evaluated: 2025-06-06. Review status: criteria provided, single submitter. Criteria: Myriad Autosomal Dominant, Autosomal Recessive and X-Linked Classification Criteria (2023). Collection method: clinical testing. Allele origin: unknown.
Comment: This variant is considered benign. This variant is intronic and is not expected to impact mRNA splicing. This variant has been observed at a population frequency that is significantly greater than expected given the associated disease prevalence and penetrance.

All of Us Research Program, National Institutes of Health
Classification: Likely benign for Tuberous sclerosis syndrome. Last evaluated: 2024-03-24. Review status: criteria provided, single submitter. Criteria: ACMG Guidelines, 2015. Collection method: clinical testing. Allele origin: germline. Inheritance: Autosomal dominant inheritance. Observed: 1 variant allele, 1 heterozygote.
Comment: This study involves interpretation of variants in research participants for the purpose of population health screening. Participant phenotype was not available at the time of variant classification. Additional details can be found in publication PMID: 35346344, PMCID: PMC8962531

Color Diagnostics, LLC DBA Color Health
Classification: Likely benign for Tuberous sclerosis syndrome. Last evaluated: 2022-11-23. Review status: criteria provided, single submitter. Criteria: ACMG Guidelines, 2015. Collection method: clinical testing. Allele origin: germline.

NM_000548.5(TSC2):c.5260-14G>A

Gene: TSC2 (TSC complex subunit 2; plus strand). Cytogenetic location: 16p13.3.
Variant type: single nucleotide variant.
Coding change: c.5260-14G>A on transcript NM_000548.5 (MANE Select); 14 bases into the intron before coding-DNA position 5260, G replaced by A.
Molecular consequence: intron variant.
Genome position (GRCh38, 1-based): chr16:2,088,432, G>A. VCF-style: chr16-2088432-G-A. GRCh37 (hg19) VCF-style: chr16-2138433-G-A.
Other names: c.5191-14G>A (NM_001114382.3); c.5131-14G>A (NM_021055.3); c.5119-14G>A (NM_001370405.1); c.5062-14G>A (NM_001363528.2); c.5128-14G>A (NM_001370404.1); c.5059-14G>A (NM_001077183.3); c.4951-14G>A (NM_001318827.2); c.4528-14G>A (NM_001318831.2); and 2 more.
Identifiers: ClinVar variation 1593228 (VCV001593228.10), dbSNP rs745529697, ClinGen allele CA054719.